The following is an entry in ClinVar:

ClinVar aggregate classification (germline): Pathogenic/Likely pathogenic. Review status: criteria provided, multiple submitters, no conflicts (2 of 4 stars). 5 submissions from 5 submitters: Pathogenic (2); Likely pathogenic (3). Last evaluated 2025-10-30.

Conditions:
Inborn genetic diseases. Identifiers: MedGen C0950123, MeSH D030342.
TAOK1-related disorder. Also called: TAOK1-related condition.
Developmental delay with or without intellectual impairment or behavioral abnormalities. Identifiers: MedGen C5562004, MONDO:0859199, OMIM 619575.

Submissions (5):

Institute of Human Genetics, University of Leipzig Medical Center
Classification: Pathogenic for Developmental delay with or without intellectual impairment or behavioral abnormalities. Last evaluated: 2025-10-30. Review status: criteria provided, single submitter. Criteria: ACMG Guidelines, 2015. Collection method: clinical testing. Allele origin: de novo. Inheritance: Autosomal dominant inheritance. Affected: yes.
Comment: Criteria applied: PM2,PS2,PS4_MOD,PVS1

Ambry Genetics
Classification: Pathogenic for Inborn genetic diseases. Last evaluated: 2025-01-28. Review status: criteria provided, single submitter. Criteria: Ambry Variant Classification Scheme 2023. Collection method: clinical testing. Allele origin: germline.
Comment: The c.1414C>T (p.R472*) alteration, located in exon 14 (coding exon 13) of the TAOK1 gene, consists of a C to T substitution at nucleotide position 1414. This changes the amino acid from an arginine (R) to a stop codon at amino acid position 472. This alteration is expected to result in loss of function by premature protein truncation or nonsense-mediated mRNA decay. This variant was not reported in population-based cohorts in the Genome Aggregation Database (gnomAD). This variant was reported in individual(s) with features consistent with TAOK1-related neurodevelopmental disorder (Cavalli, 2024). Based on the available evidence, this alteration is classified as pathogenic.

3billion
Classification: Likely pathogenic for Developmental delay with or without intellectual impairment or behavioral abnormalities. Last evaluated: 2024-07-23. Review status: criteria provided, single submitter. Criteria: ACMG Guidelines, 2015. Collection method: clinical testing. Allele origin: germline. Affected: yes.
Comment: The variant is not observed in the gnomAD v4.0.0 dataset. Predicted Consequence/Location: Stop-gained (nonsense): predicted to result in a loss or disruption of normal protein function through nonsense-mediated decay (NMD) or protein truncation. Multiple pathogenic variants are reported downstream of the variant. The variant has been reported to be associated with TAOK1 related disorder (ClinVar ID: VCV002632425). Therefore, this variant is classified as Likely pathogenic according to the recommendation of ACMG/AMP guideline.

PreventionGenetics, part of Exact Sciences
Classification: Likely pathogenic for TAOK1-related condition. Last evaluated: 2023-05-26. Review status: criteria provided, single submitter. Criteria: ACMG Guidelines, 2015. Collection method: clinical testing. Allele origin: germline.
Comment: The TAOK1 c.1414C>T variant is predicted to result in premature protein termination (p.Arg472*). To our knowledge, this variant has not been reported in the literature or in a large population database, indicating this variant is rare. Nonsense variants in TAOK1 are expected to be pathogenic. This variant is interpreted as likely pathogenic.

Blueprint Genetics
Classification: Likely pathogenic for TAOK1-related disorders. Last evaluated: 2021-09-30. Review status: criteria provided, single submitter. Criteria: ACMG Guidelines, 2015. Collection method: clinical testing. Allele origin: germline. Affected: yes. Observed: 1 variant allele.

Literature cited by the submitters: PubMed 38443934 (cited by Ambry Genetics).

NM_020791.4(TAOK1):c.1414C>T (p.Arg472Ter)

Gene: TAOK1 (TAO kinase 1; plus strand). Cytogenetic location: 17q11.2.
Variant type: single nucleotide variant.
Coding change: c.1414C>T on transcript NM_020791.4 (MANE Select); coding-DNA position 1414, C replaced by T.
Protein change: p.Arg472Ter; replaces arginine 472 with a stop codon.
Molecular consequence: nonsense.
Genome position (GRCh38, 1-based): chr17:29,507,971, C>T. VCF-style: chr17-29507971-C-T. GRCh37 (hg19) VCF-style: chr17-27834989-C-T.
Other names: c.1414C>T, p.Arg472Ter (NM_025142.1); short protein forms R472*.
Identifiers: ClinVar variation 2632425 (VCV002632425.5), dbSNP rs2508268872, ClinGen allele CA399195944.